The following is an entry in ClinVar:

NM_001256715.2(DNAAF3):c.86-64G>A

Genes: DNAAF3 (dynein axonemal assembly factor 3; minus strand), DNAAF3-AS1 (DNAAF3 antisense RNA 1; plus strand). Cytogenetic location: 19q13.42.
Variant type: single nucleotide variant.
Coding change: c.86-64G>A on transcript NM_001256715.2 (MANE Select); 64 bases into the intron before coding-DNA position 86, G replaced by A.
Molecular consequence: intron variant. On other transcripts: splice acceptor variant (1).
Genome position (GRCh38, 1-based): chr19:55,166,064, C>T on the plus strand (G>A on the coding strand, the complement: DNAAF3 is on the minus strand). VCF-style: chr19-55166064-C-T. GRCh37 (hg19) VCF-style: chr19-55677432-C-T.
Other names: c.227-64G>A (NM_178837.4); c.227-1G>A (NM_001256714.1); c.-153-64G>A (NM_001256716.2).
Identifiers: ClinVar variation 574674 (VCV000574674.9), dbSNP rs543369426, ClinGen allele CA9668242.

ClinVar aggregate classification (germline): Likely pathogenic. Review status: criteria provided, multiple submitters, no conflicts (2 of 4 stars). 2 submissions from 2 submitters: Likely pathogenic (2). Last evaluated 2026-06-25.

Conditions:
DNAAF3-related disorder. Also called: DNAAF3-related condition.
Primary ciliary dyskinesia. Also called: Ciliary dyskinesia. Identifiers: Orphanet 244, MedGen C0008780, MONDO:0016575, HP:0012265.

Allele frequency attached by ClinVar (database versions not stated): gnomAD exomes 0.00002; ExAC 0.00006; gnomAD 0.00009; TOPMed 0.00010; 1000 Genomes Project 30x 0.00016; 1000 Genomes Project 0.00020.

Submissions (3):

PreventionGenetics, part of Exact Sciences
Classification: Likely pathogenic for DNAAF3-related condition. Last evaluated: 2026-06-25. Review status: criteria provided, single submitter. Criteria: ACMG Guidelines, 2015. Collection method: clinical testing. Allele origin: germline.
Comment: The DNAAF3 c.227-1G>A variant is predicted to disrupt the AG splice acceptor site and interfere with normal splicing. Using an alternate transcript (NM_001256715), this variant is also referred to as c.86-64G>A. To our knowledge, this variant is not reported in the literature. This variant is reported in 0.029% of alleles in individuals of African descent in gnomAD and is interpreted as likely pathogenic in ClinVar (Variation ID: 574674). Variants that disrupt the consensus splice acceptor site in DNAAF3 are expected to be pathogenic. This variant is interpreted as likely pathogenic.

Labcorp Genetics (formerly Invitae), Labcorp
Classification: Likely pathogenic for Primary ciliary dyskinesia. Last evaluated: 2026-01-18. Review status: criteria provided, single submitter. Criteria: Invitae Variant Classification Sherloc (09022015). Collection method: clinical testing. Allele origin: germline.
Comment: This sequence change affects an acceptor splice site in intron 2 of the DNAAF3 gene. It is expected to disrupt RNA splicing. Variants that disrupt the donor or acceptor splice site typically lead to a loss of protein function (PMID: 16199547), and loss-of-function variants in DNAAF3 are known to be pathogenic (PMID: 22387996). This variant is present in population databases (rs543369426, gnomAD 0.03%). This variant has not been reported in the literature in individuals affected with DNAAF3-related conditions. ClinVar contains an entry for this variant (Variation ID: 574674). Algorithms developed to predict the effect of sequence changes on RNA splicing suggest that this variant may disrupt the consensus splice site. In summary, the currently available evidence indicates that the variant is pathogenic, but additional data are needed to prove that conclusively. Therefore, this variant has been classified as Likely Pathogenic.

Dr. Peter K. Rogan Lab, Western University
No classification provided (evidence only). Condition: Sarcoma. Review status: no classification provided. Collection method: in vitro. Allele origin: not applicable. Functional consequence: retained intron. Not counted in ClinVar's aggregate classification.

Literature cited by the submitters: PubMed 16199547 (cited by Labcorp Genetics (formerly Invitae), Labcorp); PubMed 22387996 (cited by Labcorp Genetics (formerly Invitae), Labcorp).